The following is an entry in ClinVar:

NM_000110.4(DPYD):c.3049G>A (p.Val1017Ile)

Gene: DPYD (dihydropyrimidine dehydrogenase; minus strand). Cytogenetic location: 1p21.3.
Variant type: single nucleotide variant.
Coding change: c.3049G>A on transcript NM_000110.4 (MANE Select); coding-DNA position 3049, G replaced by A.
Protein change: p.Val1017Ile; replaces valine 1017 with isoleucine.
Molecular consequence: missense variant.
Genome position (GRCh38, 1-based): chr1:97,079,005, C>T on the plus strand (G>A on the coding strand, the complement: DPYD is on the minus strand). VCF-style: chr1-97079005-C-T. GRCh37 (hg19) VCF-style: chr1-97544561-C-T.
Other names: short protein forms V1017I.
Identifiers: ClinVar variation 1799224 (VCV001799224.2), dbSNP rs140114515, ClinGen allele CA962869.

ClinVar aggregate classification (germline): Uncertain significance (1 of 4 stars; one submission).

Conditions:
Inborn genetic diseases. Identifiers: MedGen C0950123, MeSH D030342.

Allele frequency attached by ClinVar (database versions not stated): ExAC 0.00001; gnomAD exomes 0.00001; TOPMed 0.00002; gnomAD 0.00003; ESP Exome Variant Server 0.00008.
gnomAD v4.1: 17 of 1,613,500 alleles (0.0011%); highest among the groups gnomAD compares: Middle Eastern, 0.016%; no homozygotes.

Submission:

Ambry Genetics
Classification: Uncertain significance for Inborn genetic diseases. Last evaluated: 2022-07-17. Review status: criteria provided, single submitter. Criteria: Ambry Variant Classification Scheme 2023. Collection method: clinical testing. Allele origin: germline.
Comment: The p.V1017I variant (also known as c.3049G>A), located in coding exon 23 of the DPYD gene, results from a G to A substitution at nucleotide position 3049. The valine at codon 1017 is replaced by isoleucine, an amino acid with highly similar properties. This amino acid position is conserved. In addition, this alteration is predicted to be tolerated by in silico analysis. Since supporting evidence is limited at this time, the clinical significance of this alteration remains unclear.